The following is an entry in ClinVar:

NM_005591.4(MRE11):c.1537A>G (p.Asn513Asp)

Gene: MRE11 (MRE11 double strand break repair nuclease; minus strand). Cytogenetic location: 11q21.
Variant type: single nucleotide variant.
Coding change: c.1537A>G on transcript NM_005591.4 (MANE Select); coding-DNA position 1537, A replaced by G.
Protein change: p.Asn513Asp; replaces asparagine 513 with aspartic acid.
Molecular consequence: missense variant.
Genome position (GRCh38, 1-based): chr11:94,456,302, T>C on the plus strand (A>G on the coding strand, the complement: MRE11 is on the minus strand). VCF-style: chr11-94456302-T-C. GRCh37 (hg19) VCF-style: chr11-94189468-T-C.
Other names: c.1537A>G, p.Asn513Asp (NM_001330347.2, NM_005590.4); short protein forms N513D.
Identifiers: ClinVar variation 3224827 (VCV003224827.1), dbSNP rs2496360817, ClinGen allele CA382370746.

ClinVar aggregate classification (germline): Uncertain significance (1 of 4 stars; one submission).

Conditions:
Hereditary cancer-predisposing syndrome. Also called: Tumor predisposition; Hereditary neoplastic syndrome; Hereditary Cancer Syndrome; Neoplastic Syndromes, Hereditary. Identifiers: Orphanet 140162, MedGen C0027672, MeSH D009386, MONDO:0015356.

Submission:

Ambry Genetics
Classification: Uncertain significance for Hereditary cancer-predisposing syndrome. Last evaluated: 2024-02-02. Review status: criteria provided, single submitter. Criteria: Ambry Variant Classification Scheme 2023. Collection method: clinical testing. Allele origin: germline.
Comment: The p.N513D variant (also known as c.1537A>G), located in coding exon 13 of the MRE11A gene, results from an A to G substitution at nucleotide position 1537. The asparagine at codon 513 is replaced by aspartic acid, an amino acid with highly similar properties. This amino acid position is conserved. In addition, this alteration is predicted to be tolerated by in silico analysis. Based on the available evidence, the clinical significance of this alteration remains unclear.